The following is an entry in ClinVar:

ClinVar aggregate classification (germline): Likely benign. Review status: criteria provided, multiple submitters, no conflicts (2 of 4 stars). 2 submissions from 2 submitters: Likely benign (2). Last evaluated 2025-04-30.

Conditions:
Periodic fever-infantile enterocolitis-autoinflammatory syndrome. Also called: Autoinflammation with infantile enterocolitis. Identifiers: Orphanet 436166, MedGen C4015067, MONDO:0014472, OMIM 616050.
Familial cold autoinflammatory syndrome 4 (FCAS4). Identifiers: Orphanet 47045, Orphanet 576349, MedGen C4015276, MONDO:0014498, OMIM 616115.

Allele frequency attached by ClinVar (database versions not stated): gnomAD exomes 0.00001 and 0.00002; ExAC 0.00003; ESP Exome Variant Server 0.00008; gnomAD 0.00012; TOPMed 0.00012; 1000 Genomes Project 30x 0.00031; 1000 Genomes Project 0.00040.
gnomAD v4.1: 30 of 1,614,202 alleles (0.0019%); highest among the groups gnomAD compares: African/African-American, 0.037%; no homozygotes.

Submissions (2):

Mayo Clinic Laboratories, Mayo Clinic
Classification: Likely benign. Last evaluated: 2025-04-30. Review status: criteria provided, single submitter. Criteria: ACMG Guidelines, 2015. Collection method: clinical testing. Allele origin: germline. Observed: 1 variant allele.
Comment: BP4, BP7

Labcorp Genetics (formerly Invitae), Labcorp
Classification: Likely benign for Periodic fever-infantile enterocolitis-autoinflammatory syndrome; Familial cold autoinflammatory syndrome 4. Last evaluated: 2024-11-21. Review status: criteria provided, single submitter. Criteria: Invitae Variant Classification Sherloc (09022015). Collection method: clinical testing. Allele origin: germline.

NM_001199138.2(NLRC4):c.126C>T (p.Cys42=)

Gene: NLRC4 (NLR family CARD domain containing 4; minus strand). Cytogenetic location: 2p22.3.
Variant type: single nucleotide variant.
Coding change: c.126C>T on transcript NM_001199138.2 (MANE Select); coding-DNA position 126, C replaced by T.
Protein change: p.Cys42=; no amino-acid change (cysteine 42 retained).
Molecular consequence: synonymous variant.
Genome position (GRCh38, 1-based): chr2:32,252,555, G>A on the plus strand (C>T on the coding strand, the complement: NLRC4 is on the minus strand). VCF-style: chr2-32252555-G-A. GRCh37 (hg19) VCF-style: chr2-32477624-G-A.
Other names: p.Cys42=; c.126C>T, p.Cys42= (NM_021209.5, NM_001199139.2, NM_001302504.2).
Identifiers: ClinVar variation 1158107 (VCV001158107.10), dbSNP rs199789168, ClinGen allele CA1602215.